The following is an entry in ClinVar:

NM_002691.4(POLD1):c.1494+7G>C

Gene: POLD1 (DNA polymerase delta 1, catalytic subunit; plus strand). Cytogenetic location: 19q13.33.
Variant type: single nucleotide variant.
Coding change: c.1494+7G>C on transcript NM_002691.4 (MANE Select); 7 bases into the intron after coding-DNA position 1494, G replaced by C.
Molecular consequence: intron variant.
Genome position (GRCh38, 1-based): chr19:50,406,524, G>C. VCF-style: chr19-50406524-G-C. GRCh37 (hg19) VCF-style: chr19-50909781-G-C.
Other names: c.1494+7G>C (NM_001256849.1, NM_001308632.1).
Identifiers: ClinVar variation 750064 (VCV000750064.10), dbSNP rs1269529325, ClinGen allele CA915951938.

ClinVar aggregate classification (germline): Likely benign. Review status: criteria provided, multiple submitters, no conflicts (2 of 4 stars). 2 submissions from 2 submitters: Likely benign (2). Last evaluated 2025-02-06.

Conditions:
POLD1-related polyposis and colorectal cancer syndrome (CRCS10). Also called: Colorectal cancer, susceptibility to, 10; Colorectal cancer 10; COLORECTAL CANCER, SUSCEPTIBILITY TO, ON CHROMOSOME 19q. Identifiers: Orphanet 220460, MedGen C2675481, MONDO:0012953, OMIM 612591.

Submissions (2):

Myriad Genetics, Inc.
Classification: Likely benign for POLD1-related polyposis and colorectal cancer syndrome. Last evaluated: 2025-02-06. Review status: criteria provided, single submitter. Criteria: Myriad Autosomal Dominant, Autosomal Recessive and X-Linked Classification Criteria (2023). Collection method: clinical testing. Allele origin: unknown.
Comment: This variant is considered likely benign. This variant is intronic and is not expected to impact mRNA splicing.

Labcorp Genetics (formerly Invitae), Labcorp
Classification: Likely benign for POLD1-related polyposis and colorectal cancer syndrome. Last evaluated: 2024-07-23. Review status: criteria provided, single submitter. Criteria: Invitae Variant Classification Sherloc (09022015). Collection method: clinical testing. Allele origin: germline.